The following is an entry in ClinVar:

ClinVar aggregate classification (germline): Uncertain significance (1 of 4 stars; one submission).

Allele frequency attached by ClinVar (database versions not stated): gnomAD exomes below 0.00001; gnomAD 0.00001; TOPMed 0.00001.
gnomAD v4.1: 2 of 1,614,020 alleles (0.00012%); highest among the groups gnomAD compares: African/African-American, 0.0027%; no homozygotes.

Submission:

Labcorp Genetics (formerly Invitae), Labcorp
Classification: Uncertain significance. Last evaluated: 2023-05-18. Review status: criteria provided, single submitter. Criteria: Invitae Variant Classification Sherloc (09022015). Collection method: clinical testing. Allele origin: germline.
Comment: In summary, the available evidence is currently insufficient to determine the role of this variant in disease. Therefore, it has been classified as a Variant of Uncertain Significance. Advanced modeling of protein sequence and biophysical properties (such as structural, functional, and spatial information, amino acid conservation, physicochemical variation, residue mobility, and thermodynamic stability) performed at Invitae indicates that this missense variant is not expected to disrupt PDE10A protein function. This variant has not been reported in the literature in individuals affected with PDE10A-related conditions. This sequence change replaces isoleucine, which is neutral and non-polar, with valine, which is neutral and non-polar, at codon 398 of the PDE10A protein (p.Ile398Val). This variant is not present in population databases (gnomAD no frequency).

NM_001385079.1(PDE10A):c.1990A>G (p.Ile664Val)

Gene: PDE10A (phosphodiesterase 10A; minus strand). Cytogenetic location: 6q27.
Variant type: single nucleotide variant.
Coding change: c.1990A>G on transcript NM_001385079.1 (MANE Select); coding-DNA position 1990, A replaced by G.
Protein change: p.Ile664Val; replaces isoleucine 664 with valine.
Molecular consequence: missense variant.
Genome position (GRCh38, 1-based): chr6:165,413,587, T>C on the plus strand (A>G on the coding strand, the complement: PDE10A is on the minus strand). VCF-style: chr6-165413587-T-C. GRCh37 (hg19) VCF-style: chr6-165827075-T-C.
Other names: c.1192A>G, p.Ile398Val (NM_001130690.3); c.1162A>G, p.Ile388Val (NM_006661.4); short protein forms I388V, I664V, I398V.
Identifiers: ClinVar variation 2802746 (VCV002802746.3), dbSNP rs1438525087, ClinGen allele CA366395319.